The following is an entry in ClinVar:

NM_006265.3(RAD21):c.144+1G>A

Gene: RAD21 (RAD21 cohesin complex component; minus strand). Cytogenetic location: 8q24.11.
Variant type: single nucleotide variant.
Coding change: c.144+1G>A on transcript NM_006265.3 (MANE Select); the canonical splice donor site of the intron after coding-DNA position 144, G replaced by A.
Molecular consequence: splice donor variant.
Genome position (GRCh38, 1-based): chr8:116,866,585, C>T on the plus strand (G>A on the coding strand, the complement: RAD21 is on the minus strand). VCF-style: chr8-116866585-C-T. GRCh37 (hg19) VCF-style: chr8-117878824-C-T.
Identifiers: ClinVar variation 802434 (VCV000802434.2), dbSNP rs1586275911, ClinGen allele CA372011553.

ClinVar aggregate classification (germline): Pathogenic. Review status: criteria provided, multiple submitters, no conflicts (2 of 4 stars). 2 submissions from 2 submitters: Pathogenic (2). Last evaluated 2025-09-03.

Conditions:
Cornelia de Lange syndrome 4 (CDLS4). Also called: CORNELIA DE LANGE SYNDROME 4 WITH OR WITHOUT MIDLINE BRAIN DEFECTS; RAD21-Related Cornelia de Lange Syndrome. Identifiers: Orphanet 199, MedGen C3553517, MONDO:0013864, OMIM 614701.

Allele frequency attached by ClinVar (database versions not stated): gnomAD exomes below 0.00001; TOPMed below 0.00001.

Submissions (2):

GeneDx
Classification: Pathogenic. Last evaluated: 2025-09-03. Review status: criteria provided, single submitter. Criteria: GeneDx Variant Classification Process June 2021. Collection method: clinical testing. Allele origin: germline. Affected: yes.
Comment: Canonical splice site variant predicted to result in an in-frame loss of the adjacent exon in a gene for which loss of function is a known mechanism of disease; Not observed at significant frequency in large population cohorts (gnomAD); Has not been previously published as pathogenic or benign to our knowledge

Mendelics
Classification: Pathogenic for Cornelia de Lange syndrome 4. Last evaluated: 2019-05-28. Review status: criteria provided, single submitter. Criteria: Mendelics Assertion Criteria 2017. Collection method: clinical testing. Allele origin: unknown.